The following is an entry in ClinVar:

ClinVar aggregate classification (germline): Uncertain significance. Review status: criteria provided, single submitter (1 of 4 stars). 2 submissions from 2 submitters: Uncertain significance (1). 1 of the submissions does not count toward it. Last evaluated 2021-09-29.

Conditions:
Intellectual developmental disorder with autistic features and language delay, with or without seizures. Identifiers: MedGen C5394447, MONDO:0030051, OMIM 618906.
TANC2-related disorder. Also called: TANC2-related condition.

Allele frequency attached by ClinVar (database versions not stated): gnomAD 0.00001; TOPMed 0.00002; gnomAD exomes 0.00003.
gnomAD v4.1: 38 of 1,613,846 alleles (0.0024%); highest among the groups gnomAD compares: Non-Finnish European, 0.0031%; no homozygotes.

Submissions (2):

Department of Pathology and Laboratory Medicine, Sinai Health System
Classification: Uncertain significance for Intellectual developmental disorder with autistic features and language delay, with or without seizures. Last evaluated: 2021-09-29. Review status: criteria provided, single submitter. Criteria: ACMG Guidelines, 2015. Collection method: research. Allele origin: germline.

PreventionGenetics, part of Exact Sciences
Classification: Uncertain significance for TANC2-related condition. Last evaluated: 2023-11-22. Review status: no assertion criteria provided. Collection method: clinical testing. Allele origin: germline. Not counted in ClinVar's aggregate classification.
Comment: The TANC2 c.5398C>T variant is predicted to result in the amino acid substitution p.Arg1800Trp. To our knowledge, this variant has not been reported in the literature or in a large population database, indicating this variant is rare. At this time, the clinical significance of this variant is uncertain due to the absence of conclusive functional and genetic evidence.

NM_001394998.1(TANC2):c.5650C>T (p.Arg1884Trp)

Gene: TANC2 (tetratricopeptide repeat, ankyrin repeat and coiled-coil containing 2; plus strand). Cytogenetic location: 17q23.3.
Variant type: single nucleotide variant.
Coding change: c.5650C>T on transcript NM_001394998.1 (MANE Select); coding-DNA position 5650, C replaced by T.
Protein change: p.Arg1884Trp; replaces arginine 1884 with tryptophan.
Molecular consequence: missense variant.
Genome position (GRCh38, 1-based): chr17:63,421,380, C>T. VCF-style: chr17-63421380-C-T. GRCh37 (hg19) VCF-style: chr17-61498741-C-T.
Other names: c.5428C>T, p.Arg1810Trp (NM_001411076.1); c.5398C>T, p.Arg1800Trp (NM_025185.4); short protein forms R1800W, R1810W, R1884W.
Identifiers: ClinVar variation 3056927 (VCV003056927.3), dbSNP rs2049019899, ClinGen allele CA400546952.